The following is an entry in ClinVar:

NM_001042492.3(NF1):c.7970+6del

Gene: NF1 (neurofibromin 1; plus strand). Cytogenetic location: 17q11.2.
Variant type: Deletion.
Coding change: c.7970+6del on transcript NM_001042492.3 (MANE Select); 6 bases into the intron after coding-DNA position 7970, one base deleted (T; older notation c.7970+6delT).
Molecular consequence: intron variant.
Genome position (GRCh38, 1-based): chr17:31,357,375, T deleted. VCF-style (leftmost placement, unchanged base first): chr17-31357374-GT-G. GRCh37 (hg19) VCF-style: chr17-29684392-GT-G.
Other names: c.7907+6del (NM_000267.4).
Identifiers: ClinVar variation 4712860 (VCV004712860.1).
Genomic context (GRCh38, chr17:31,357,374, plus strand): 5'-CTTTATGAATACTTAGCAGAGGCCAGTGTTGTGTTTCCCAAAGTCTTTCCTGTTGTGTAA[GT>G]ATCTCCTTTTGATTTTAATTCACCTTCGTGCCTGTCTTTAAGTTAAATGCTTACCCAGTA-3'

ClinVar aggregate classification (germline): Uncertain significance (1 of 4 stars; one submission).

Conditions:
Neurofibromatosis, type 1 (NF1). Also called: VON RECKLINGHAUSEN DISEASE; Peripheral type neurofibromatosis; NEUROFIBROMATOSIS, TYPE I, SOMATIC; Neurofibromatosis, type I. Identifiers: Orphanet 636, MedGen C0027831, MONDO:0018975, OMIM 162200. Disease mechanism: loss of function.

Submission:

Labcorp Genetics (formerly Invitae), Labcorp
Classification: Uncertain significance for Neurofibromatosis, type 1. Last evaluated: 2025-02-12. Review status: criteria provided, single submitter. Criteria: Invitae Variant Classification Sherloc (09022015). Collection method: clinical testing. Allele origin: germline.
Comment: This sequence change falls in intron 53 of the NF1 gene. It does not directly change the encoded amino acid sequence of the NF1 protein. It affects a nucleotide within the consensus splice site. This variant is not present in population databases (gnomAD no frequency). This variant has not been reported in the literature in individuals affected with NF1-related conditions. Variants that disrupt the consensus splice site are a relatively common cause of aberrant splicing (PMID: 17576681, 9536098). Algorithms developed to predict the effect of sequence changes on RNA splicing suggest that this variant may disrupt the consensus splice site. In summary, the available evidence is currently insufficient to determine the role of this variant in disease. Therefore, it has been classified as a Variant of Uncertain Significance.

Literature cited by the submitters: PubMed 17576681; PubMed 9536098.